The following is an entry in ClinVar:

NM_006767.4(LZTR1):c.779del (p.Phe260fs)

Gene: LZTR1 (leucine zipper like post translational regulator 1; plus strand). Cytogenetic location: 22q11.21.
Variant type: Deletion.
Coding change: c.779del on transcript NM_006767.4 (MANE Select); coding-DNA position 779, one base deleted (T; older notation c.779delT).
Protein change: p.Phe260fs; shifts the reading frame from phenylalanine 260.
Molecular consequence: frameshift variant.
Genome position (GRCh38, 1-based): chr22:20,990,513, T deleted; the last of 2 consecutive T bases (chr22:20,990,512-20,990,513); deleting either gives the same sequence. VCF-style (leftmost placement, unchanged base first): chr22-20990511-AT-A. GRCh37 (hg19) VCF-style: chr22-21344800-AT-A.
Other names: short protein forms F260fs.
Identifiers: ClinVar variation 5023790 (VCV005023790.1).

ClinVar aggregate classification (germline): Pathogenic (1 of 4 stars; one submission).

Conditions:
Cardiovascular phenotype. Identifiers: MedGen CN230736.
Hereditary cancer-predisposing syndrome. Also called: Neoplastic Syndromes, Hereditary; Tumor predisposition; Hereditary neoplastic syndrome; Hereditary Cancer Syndrome. Identifiers: Orphanet 140162, MedGen C0027672, MeSH D009386, MONDO:0015356.

Submission:

Ambry Genetics
Classification: Pathogenic for Cardiovascular phenotype; Hereditary cancer-predisposing syndrome. Last evaluated: 2026-08-19. Review status: criteria provided, single submitter. Criteria: Ambry Variant Classification Scheme 2023. Collection method: clinical testing. Allele origin: germline.
Comment: The c.779delT pathogenic mutation, located in coding exon 8 of the LZTR1 gene, results from a deletion of one nucleotide at nucleotide position 779, causing a translational frameshift with a predicted alternate stop codon (p.F260Sfs*91). This variant is considered to be rare based on population cohorts in the Genome Aggregation Database (gnomAD). This variant is expected to result in loss of function by premature protein truncation or nonsense-mediated mRNA decay. Loss-of-function variants in LZTR1 are related to an increased risk for schwannomas and autosomal recessive Noonan syndrome; however, such associations with autosomal dominant Noonan syndrome have not been observed (Piotrowski A et al. Nat Genet. 2014 Feb;46:182-7; Yamamoto GL et al. J Med Genet. 2015 Jun;52:413-21; Johnston JJ et al. Genet Med. 2018 10;20:1175-1185). Based on the supporting evidence, this variant is pathogenic for an increased risk of LZTR1-related schwannomatosis (SWN) and would be expected to cause autosomal recessive Noonan syndrome when present along with a second pathogenic or likely pathogenic variant on the other allele; however, the association of this variant with autosomal dominant Noonan syndrome is unlikely.